The following is an entry in ClinVar:

ClinVar aggregate classification (germline): Uncertain significance. Review status: criteria provided, multiple submitters, no conflicts (2 of 4 stars). 2 submissions from 2 submitters: Uncertain significance (2). Last evaluated 2025-12-28.

Conditions:
Charcot-Marie-Tooth disease type 2. Also called: Charcot-Marie-Tooth type 2. Identifiers: Orphanet 64746, MedGen C0270914, MONDO:0018993.

Submissions (2):

Labcorp Genetics (formerly Invitae), Labcorp
Classification: Uncertain significance for Charcot-Marie-Tooth disease type 2. Last evaluated: 2025-12-28. Review status: criteria provided, single submitter. Criteria: Invitae Variant Classification Sherloc (09022015). Collection method: clinical testing. Allele origin: germline.
Comment: This sequence change replaces serine, which is neutral and polar, with cysteine, which is neutral and slightly polar, at codon 404 of the KIF1B protein (p.Ser404Cys). This variant is not present in population databases (gnomAD no frequency). This variant has not been reported in the literature in individuals affected with KIF1B-related conditions. ClinVar contains an entry for this variant (Variation ID: 3226343). Invitae Evidence Modeling of protein sequence and biophysical properties (such as structural, functional, and spatial information, amino acid conservation, physicochemical variation, residue mobility, and thermodynamic stability) indicates that this missense variant is not expected to disrupt KIF1B protein function with a negative predictive value of 80%. Algorithms developed to predict the effect of sequence changes on RNA splicing suggest that this variant may create or strengthen a splice site. In summary, the available evidence is currently insufficient to determine the role of this variant in disease. Therefore, it has been classified as a Variant of Uncertain Significance.

Ambry Genetics
Classification: Uncertain significance. Last evaluated: 2024-02-20. Review status: criteria provided, single submitter. Criteria: Ambry Variant Classification Scheme 2023. Collection method: clinical testing. Allele origin: germline.
Comment: The p.S404C variant (also known as c.1210A>T), located in coding exon 12 of the KIF1B gene, results from an A to T substitution at nucleotide position 1210. The serine at codon 404 is replaced by cysteine, an amino acid with dissimilar properties. This amino acid position is conserved. In addition, the in silico prediction for this alteration is inconclusive. Based on the available evidence, the clinical significance of this alteration remains unclear.

NM_001365951.3(KIF1B):c.1348A>T (p.Ser450Cys)

Gene: KIF1B (kinesin family member 1B; plus strand). Cytogenetic location: 1p36.22.
Variant type: single nucleotide variant.
Coding change: c.1348A>T on transcript NM_001365951.3 (MANE Select); coding-DNA position 1348, A replaced by T.
Protein change: p.Ser450Cys; replaces serine 450 with cysteine.
Molecular consequence: missense variant.
Genome position (GRCh38, 1-based): chr1:10,282,447, A>T. VCF-style: chr1-10282447-A-T. GRCh37 (hg19) VCF-style: chr1-10342505-A-T.
Other names: c.1348A>T, p.Ser450Cys (NM_001365952.1); c.1210A>T, p.Ser404Cys (NM_001365953.1, NM_015074.3, NM_183416.4); short protein forms S404C, S450C.
Identifiers: ClinVar variation 3226343 (VCV003226343.2), dbSNP rs2521256201, ClinGen allele CA338336324.
Genomic context (GRCh38, chr1:10,282,447, plus strand): 5'-CATTTTTCCACAGCATCCATGGGGTCCCTCACTTCATCCCCATCTTCCTGCTCACTCAGT[A>T]GTCAGGTGGGCTTGACGTCTGTGACCAGTATTCAAGAGAGGATCATGTCTACACCTGGAG-3'
Protein context (NP_001352880.1, residues 440-460): TSSPSSCSLS[Ser450Cys]QVGLTSVTSI